The following is an entry in ClinVar:

ClinVar aggregate classification (germline): Uncertain significance. Review status: criteria provided, multiple submitters, no conflicts (2 of 4 stars). 2 submissions from 2 submitters: Uncertain significance (2). Last evaluated 2026-01-14.

Conditions:
Inborn genetic diseases. Identifiers: MedGen C0950123, MeSH D030342.

gnomAD v4.1: 54 of 1,614,024 alleles (0.0033%); highest among the groups gnomAD compares: Non-Finnish European, 0.0042%; 1 homozygote.

Submissions (2):

Labcorp Genetics (formerly Invitae), Labcorp
Classification: Uncertain significance. Last evaluated: 2026-01-14. Review status: criteria provided, single submitter. Criteria: Invitae Variant Classification Sherloc (09022015). Collection method: clinical testing. Allele origin: germline.
Comment: This sequence change replaces arginine, which is basic and polar, with glutamine, which is neutral and polar, at codon 760 of the MYO5B protein (p.Arg760Gln). This variant is present in population databases (rs754258886, gnomAD 0.008%). This variant has not been reported in the literature in individuals affected with MYO5B-related conditions. ClinVar contains an entry for this variant (Variation ID: 3876927). Invitae Evidence Modeling of protein sequence and biophysical properties (such as structural, functional, and spatial information, amino acid conservation, physicochemical variation, residue mobility, and thermodynamic stability) indicates that this missense variant is expected to disrupt MYO5B protein function with a positive predictive value of 80%. In summary, the available evidence is currently insufficient to determine the role of this variant in disease. Therefore, it has been classified as a Variant of Uncertain Significance.

Ambry Genetics
Classification: Uncertain significance for Inborn genetic diseases. Last evaluated: 2025-02-14. Review status: criteria provided, single submitter. Criteria: Ambry Variant Classification Scheme 2023. Collection method: clinical testing. Allele origin: germline.

NM_001080467.3(MYO5B):c.2279G>A (p.Arg760Gln)

Gene: MYO5B (myosin VB; minus strand). Cytogenetic location: 18q21.1.
Variant type: single nucleotide variant.
Coding change: c.2279G>A on transcript NM_001080467.3 (MANE Select); coding-DNA position 2279, G replaced by A.
Protein change: p.Arg760Gln; replaces arginine 760 with glutamine.
Molecular consequence: missense variant.
Genome position (GRCh38, 1-based): chr18:49,906,554, C>T on the plus strand (G>A on the coding strand, the complement: MYO5B is on the minus strand). VCF-style: chr18-49906554-C-T. GRCh37 (hg19) VCF-style: chr18-47432924-C-T.
Other names: short protein forms R760Q.
Identifiers: ClinVar variation 3876927 (VCV003876927.2).